The following is an entry in ClinVar:

ClinVar aggregate classification (germline): Uncertain significance (1 of 4 stars; one submission).

Submission:

GeneDx
Classification: Uncertain significance. Last evaluated: 2025-08-07. Review status: criteria provided, single submitter. Criteria: GeneDx Variant Classification Process June 2021. Collection method: clinical testing. Allele origin: germline. Affected: yes.
Comment: Not observed at significant frequency in large population cohorts (gnomAD); In silico analysis suggests that this missense variant does not alter protein structure/function; Has not been previously published as pathogenic or benign to our knowledge

NM_001164508.2(NEB):c.19234G>A (p.Val6412Met)

Gene: NEB (nebulin; minus strand). Cytogenetic location: 2q23.3.
Variant type: single nucleotide variant.
Coding change: c.19234G>A on transcript NM_001164508.2 (MANE Select); coding-DNA position 19234, G replaced by A.
Protein change: p.Val6412Met; replaces valine 6412 with methionine.
Molecular consequence: missense variant.
Genome position (GRCh38, 1-based): chr2:151,560,672, C>T on the plus strand (G>A on the coding strand, the complement: NEB is on the minus strand). VCF-style: chr2-151560672-C-T. GRCh37 (hg19) VCF-style: chr2-152417186-C-T.
Other names: c.19234G>A, p.Val6412Met (NM_001164507.2, NM_001271208.2); c.14131G>A, p.Val4711Met (NM_004543.5); short protein forms V4711M, V6412M.
Identifiers: ClinVar variation 4755616 (VCV004755616.1).